The following is an entry in ClinVar:

NM_144997.7(FLCN):c.1117C>A (p.Gln373Lys)

Gene: FLCN (folliculin; minus strand). Cytogenetic location: 17p11.2.
Variant type: single nucleotide variant.
Coding change: c.1117C>A on transcript NM_144997.7 (MANE Select); coding-DNA position 1117, C replaced by A.
Protein change: p.Gln373Lys; replaces glutamine 373 with lysine.
Molecular consequence: missense variant.
Genome position (GRCh38, 1-based): chr17:17,217,128, G>T on the plus strand (C>A on the coding strand, the complement: FLCN is on the minus strand). VCF-style: chr17-17217128-G-T. GRCh37 (hg19) VCF-style: chr17-17120442-G-T.
Other names: c.1171C>A, p.Gln391Lys (NM_001353229.2); c.1117C>A, p.Gln373Lys (NM_001353230.2, NM_001353231.2); short protein forms Q391K, Q373K.
Identifiers: ClinVar variation 822209 (VCV000822209.4), dbSNP rs398124524, ClinGen allele CA8416137.
Genomic context (GRCh38, chr17:17,217,128, plus strand): 5'-CCCGAAGTACTTCAAAAGCTGACTGGACGAGGTCCACGTCTCTGCTTTTCCAGATCACCT[G>T]GTTCCCCATGAGAACGTGCCAGGCCAGCATGCGGAAAGAAGGGGCACCCAGGACCTAAAC-3'
Protein context (NP_659434.2, residues 363-383): MLAWHVLMGN[Gln373Lys]VIWKSRDVDL

ClinVar aggregate classification (germline): Uncertain significance (1 of 4 stars; one submission).

Conditions:
Hereditary cancer-predisposing syndrome. Also called: Tumor predisposition; Hereditary Cancer Syndrome; Neoplastic Syndromes, Hereditary; Hereditary neoplastic syndrome. Identifiers: Orphanet 140162, MedGen C0027672, MeSH D009386, MONDO:0015356.

Allele frequency attached by ClinVar (database versions not stated): gnomAD exomes below 0.00001; ExAC 0.00001.
gnomAD v4.1: 1 of 1,614,140 alleles (0.000062%); highest among the groups gnomAD compares: Admixed American, 0.0017%; no homozygotes.

Submission:

Ambry Genetics
Classification: Uncertain significance for Hereditary cancer-predisposing syndrome. Last evaluated: 2019-06-03. Review status: criteria provided, single submitter. Criteria: Ambry Variant Classification Scheme 2023. Collection method: clinical testing. Allele origin: germline.
Comment: The p.Q373K variant (also known as c.1117C>A), located in coding exon 7 of the FLCN gene, results from a C to A substitution at nucleotide position 1117. The glutamine at codon 373 is replaced by lysine, an amino acid with similar properties. This amino acid position is highly conserved in available vertebrate species. In addition, this alteration is predicted to be deleterious by in silico analysis. Since supporting evidence is limited at this time, the clinical significance of this alteration remains unclear.